The following is an entry in ClinVar:

ClinVar aggregate classification (germline): Uncertain significance (1 of 4 stars; one submission).

Submission:

ISCA site 14
Classification: Uncertain significance. Last evaluated: 2011-08-12. Review status: criteria provided, single submitter. Criteria: Kaminsky et al. (Genet Med. 2011). Collection method: clinical testing. Allele origin: maternal. Affected: yes. Observed: 1 variant allele.
Comment: Copy number variation identified through the course of routine clinical cytogenomic testing in postnatal populations. Clinical assertions have been curated as described in Kaminsky et al. 2011.

GRCh38/hg38 4q35.2(chr4:187589886-188831793)x1

Genes: LINC01060 (long intergenic non-protein coding RNA 1060; plus strand), LINC02434 (long intergenic non-protein coding RNA 2434; plus strand), LINC02492 (long intergenic non-protein coding RNA 2492; minus strand), LINC02508 (long intergenic non-protein coding RNA 2508; plus strand), TRIML1 (tripartite motif family like 1; plus strand) and 19 more. Cytogenetic location: 4q35.2.
Variant type: copy number loss.
Change: copy number 1 (one copy instead of two) of chr4:187,589,886-188,831,793 (1.24 Mb, GRCh38 coordinates, 1-based), cytogenetic band 4q35.2.
Identifiers: ClinVar variation 60221 (VCV000060221.1).